The following is an entry in ClinVar:

NM_004484.4(GPC3):c.421G>A (p.Ala141Thr)

Gene: GPC3 (glypican 3; minus strand). Cytogenetic location: Xq26.2.
Variant type: single nucleotide variant.
Coding change: c.421G>A on transcript NM_004484.4 (MANE Select); coding-DNA position 421, G replaced by A.
Protein change: p.Ala141Thr; replaces alanine 141 with threonine.
Molecular consequence: missense variant.
Genome position (GRCh38, 1-based): chrX:133,754,093, C>T on the plus strand (G>A on the coding strand, the complement: GPC3 is on the minus strand). VCF-style: chrX-133754093-C-T. GRCh37 (hg19) VCF-style: chrX-132888120-C-T.
Other names: c.421G>A, p.Ala141Thr (NM_001164617.2); c.373G>A, p.Ala125Thr (NM_001164618.2); c.259G>A, p.Ala87Thr (NM_001164619.2); short protein forms A125T, A141T, A87T.
Identifiers: ClinVar variation 1013849 (VCV001013849.11), dbSNP rs1360346581, ClinGen allele CA414706675.

ClinVar aggregate classification (germline): Uncertain significance. Review status: criteria provided, multiple submitters, no conflicts (2 of 4 stars). 3 submissions from 3 submitters: Uncertain significance (3). Last evaluated 2025-09-24.

Conditions:
Inborn genetic diseases. Identifiers: MedGen C0950123, MeSH D030342.
Wilms tumor 1 (WT1). Also called: Wilms tumor, somatic. Identifiers: Orphanet 654, MedGen CN033288, MONDO:0008679, OMIM 194070.

Allele frequency attached by ClinVar (database versions not stated): TOPMed 0.00001; gnomAD 0.00001.
gnomAD v4.1: 5 of 1,204,092 alleles (0.00042%); highest among the groups gnomAD compares: East Asian, 0.003%; no homozygotes.

Submissions (3):

Ambry Genetics
Classification: Uncertain significance for Inborn genetic diseases. Last evaluated: 2025-09-24. Review status: criteria provided, single submitter. Criteria: Ambry Variant Classification Scheme 2023. Collection method: clinical testing. Allele origin: germline.

Labcorp Genetics (formerly Invitae), Labcorp
Classification: Uncertain significance for Wilms tumor 1. Last evaluated: 2025-04-14. Review status: criteria provided, single submitter. Criteria: Invitae Variant Classification Sherloc (09022015). Collection method: clinical testing. Allele origin: germline.
Comment: This sequence change replaces alanine, which is neutral and non-polar, with threonine, which is neutral and polar, at codon 141 of the GPC3 protein (p.Ala141Thr). This variant is not present in population databases (gnomAD no frequency). This variant has not been reported in the literature in individuals affected with GPC3-related conditions. ClinVar contains an entry for this variant (Variation ID: 1013849). Invitae Evidence Modeling of protein sequence and biophysical properties (such as structural, functional, and spatial information, amino acid conservation, physicochemical variation, residue mobility, and thermodynamic stability) indicates that this missense variant is not expected to disrupt GPC3 protein function with a negative predictive value of 80%. In summary, the available evidence is currently insufficient to determine the role of this variant in disease. Therefore, it has been classified as a Variant of Uncertain Significance.

GeneDx
Classification: Uncertain significance. Last evaluated: 2021-02-01. Review status: criteria provided, single submitter. Criteria: GeneDx Variant Classification Process June 2021. Collection method: clinical testing. Allele origin: germline. Affected: yes.
Comment: Not observed in large population cohorts (Lek et al., 2016); In silico analysis supports that this missense variant has a deleterious effect on protein structure/function; Has not been previously published as pathogenic or benign to our knowledge